The following is an entry in ClinVar:

NM_015662.3(IFT172):c.3372-9_3372-8del

Gene: IFT172 (intraflagellar transport 172; minus strand). Cytogenetic location: 2p23.3.
Variant type: Deletion.
Coding change: c.3372-9_3372-8del on transcript NM_015662.3 (MANE Select); 9 bases into the intron before coding-DNA position 3372 through 8 bases into the intron before coding-DNA position 3372, 2 bases deleted (CT; older notation c.3372-9_3372-8delCT).
Molecular consequence: intron variant.
Genome position (GRCh38, 1-based): chr2:27,454,668-27,454,669, AG deleted on the plus strand (CT on the coding strand, the reverse complement: IFT172 is on the minus strand); deleting any 2 consecutive bases within chr2:27,454,668-27,454,670 gives the same sequence; the c. name uses the placement nearest the transcript's 3' end. VCF-style (leftmost placement, unchanged base first): chr2-27454667-CAG-C. GRCh37 (hg19) VCF-style: chr2-27677534-CAG-C.
Other names: c.3306-9_3306-8del (NM_001410739.1).
Identifiers: ClinVar variation 3358385 (VCV003358385.1).
Genomic context (GRCh38, chr2:27,454,667, plus strand): 5'-GGGGTTTTGTGCTTGAGGGCCAGCCGAGAGAGTTCAAACGCAAATTCAAAGGAGCTGAAA[CAG>C]AAAGTGCAGATAAAGTTTTCTTGCTTCATGCTTCCCTTCATAAAAGGAACAAGACAAAAC-3'

ClinVar aggregate classification (germline): Uncertain significance (0 of 4 stars; one submission).

Conditions:
IFT172-related disorder. Also called: IFT172-related disorders; IFT172-related condition.

Submission:

PreventionGenetics, part of Exact Sciences
Classification: Uncertain significance for IFT172-related condition. Last evaluated: 2024-04-03. Review status: no assertion criteria provided. Collection method: clinical testing. Allele origin: germline.
Comment: The IFT172 c.3372-9_3372-8delCT variant is predicted to result in an intronic deletion. To our knowledge, this variant has not been reported in the literature. This variant is predicted to moderately alter splicing based on splicing prediction software (SpliceAI; K. Jaganathan et al. 2019. PubMed ID: 30661751). This variant is reported in 0.046% of alleles in individuals of South Asian descent in gnomAD, including one homozygous individual. At this time, the clinical significance of this variant is uncertain due to the absence of conclusive functional and genetic evidence.